The following is an entry in ClinVar:

NM_001166108.2(PALLD):c.2092G>A (p.Gly698Ser)

Gene: PALLD (palladin, cytoskeletal associated protein; plus strand). Cytogenetic location: 4q32.3.
Variant type: single nucleotide variant.
Coding change: c.2092G>A on transcript NM_001166108.2 (MANE Select); coding-DNA position 2092, G replaced by A.
Protein change: p.Gly698Ser; replaces glycine 698 with serine.
Molecular consequence: missense variant. On other transcripts: 5 prime UTR variant (4).
Genome position (GRCh38, 1-based): chr4:168,891,049, G>A. VCF-style: chr4-168891049-G-A. GRCh37 (hg19) VCF-style: chr4-169812200-G-A.
Other names: c.946G>A, p.Gly316Ser (NM_001166109.2); c.631G>A, p.Gly211Ser (NM_001166110.2); c.-30G>A (NM_001367567.1, NM_001367568.1, NM_001367569.1 and 1 more transcripts); c.2092G>A, p.Gly698Ser (NM_016081.4); short protein forms G211S, G316S, G698S.
Identifiers: ClinVar variation 1785751 (VCV001785751.2), dbSNP rs143417961, ClinGen allele CA110517289.

ClinVar aggregate classification (germline): Uncertain significance (1 of 4 stars; one submission).

gnomAD v4.1: 2 of 1,614,108 alleles (0.00012%); highest among the groups gnomAD compares: Middle Eastern, 0.016%; no homozygotes.

Submission:

Ambry Genetics
Classification: Uncertain significance. Last evaluated: 2022-07-05. Review status: criteria provided, single submitter. Criteria: Ambry Variant Classification Scheme 2023. Collection method: clinical testing. Allele origin: germline.
Comment: The p.G698S variant (also known as c.2092G>A), located in coding exon 10 of the PALLD gene, results from a G to A substitution at nucleotide position 2092. The glycine at codon 698 is replaced by serine, an amino acid with similar properties. This amino acid position is conserved. In addition, this alteration is predicted to be deleterious by in silico analysis. Since supporting evidence is limited at this time, the clinical significance of this alteration remains unclear.